The following is an entry in ClinVar:

ClinVar aggregate classification (germline): Pathogenic (1 of 4 stars; one submission).

Conditions:
Cortical dysplasia, complex, with other brain malformations 9. Identifiers: MedGen C4748540, MONDO:0032578, OMIM 618174.

Submission:

Women's Health and Genetics/Laboratory Corporation of America, LabCorp
Classification: Pathogenic for Cortical dysplasia, complex, with other brain malformations 9. Last evaluated: 2023-10-10. Review status: criteria provided, single submitter. Criteria: LabCorp Variant Classification Summary - May 2015. Collection method: clinical testing. Allele origin: germline.
Comment: Variant summary: CTNNA2 c.1938_1939delTT (p.Asp646GlufsX2) results in a premature termination codon, predicted to cause absence of the protein due to nonsense mediated decay, a commonly known mechanism for disease. The variant was absent in 248874 control chromosomes (gnomAD). To our knowledge, no occurrence of c.1938_1939delTT in individuals affected with Cortical Dysplasia, Complex, With Other Brain Malformations 9 and no experimental evidence demonstrating its impact on protein function have been reported. No submitters have cited clinical-significance assessments for this variant to ClinVar after 2014. Based on the evidence outlined above, the variant was classified as pathogenic.

NM_001282597.3(CTNNA2):c.1938_1939del (p.Asp646fs)

Gene: CTNNA2 (catenin alpha 2; plus strand). Cytogenetic location: 2p12.
Variant type: Deletion.
Coding change: c.1938_1939del on transcript NM_001282597.3 (MANE Select); coding-DNA positions 1938 to 1939, 2 bases deleted (TT; older notation c.1938_1939delTT).
Protein change: p.Asp646fs; shifts the reading frame from aspartic acid 646.
Molecular consequence: frameshift variant.
Genome position (GRCh38, 1-based): chr2:80,581,750-80,581,751, TT deleted. VCF-style (leftmost placement, unchanged base first): chr2-80581749-ATT-A. GRCh37 (hg19) VCF-style: chr2-80808874-ATT-A.
Other names: c.1938_1939del, p.Asp646fs (NM_001164883.2, NM_001399737.1, NM_004389.4); c.2040_2041del, p.Asp680fs (NM_001282598.2); c.975_976del, p.Asp325fs (NM_001282599.2); c.834_835del, p.Asp278fs (NM_001282600.2, NM_001320810.2); c.1938_1939delTT (NM_004389.4); short protein forms D278fs, D325fs, D646fs, D680fs.
Identifiers: ClinVar variation 2637657 (VCV002637657.1), dbSNP rs2468044149, ClinGen allele CA2695200838.